The following is an entry in ClinVar:

ClinVar aggregate classification (germline): Likely benign. Review status: criteria provided, multiple submitters, no conflicts (2 of 4 stars). 4 submissions from 4 submitters: Likely benign (3). 1 of the submissions does not count toward it. Last evaluated 2025-03-01.

Conditions:
EHMT1-related disorder. Also called: EHMT1-related condition.
Kleefstra syndrome 1 (KLEFS1). Identifiers: Orphanet 261494, MedGen C0795833, MONDO:0027407, OMIM 610253.

Allele frequency attached by ClinVar (database versions not stated): ExAC 0.00001; gnomAD exomes 0.00001 and 0.00002; gnomAD 0.00002; TOPMed 0.00002.

Submissions (4):

Labcorp Genetics (formerly Invitae), Labcorp
Classification: Likely benign for Kleefstra syndrome 1. Last evaluated: 2025-03-01. Review status: criteria provided, single submitter. Criteria: Invitae Variant Classification Sherloc (09022015). Collection method: clinical testing. Allele origin: germline.

Blueprint Genetics
Classification: Likely benign. Last evaluated: 2021-10-07. Review status: criteria provided, single submitter. Criteria: ACMG Guidelines, 2015. Collection method: clinical testing. Allele origin: germline.

GeneDx
Classification: Likely benign. Last evaluated: 2020-02-14. Review status: criteria provided, single submitter. Criteria: GeneDx Variant Classification Process June 2021. Collection method: clinical testing. Allele origin: germline. Affected: yes.

PreventionGenetics, part of Exact Sciences
Classification: Likely benign for EHMT1-related condition. Last evaluated: 2024-06-22. Review status: no assertion criteria provided. Collection method: clinical testing. Allele origin: germline. Not counted in ClinVar's aggregate classification.
Comment: This variant is classified as likely benign based on ACMG/AMP sequence variant interpretation guidelines (Richards et al. 2015 PMID: 25741868, with internal and published modifications).

NM_024757.5(EHMT1):c.2712C>T (p.Asn904=)

Gene: EHMT1 (euchromatic histone lysine methyltransferase 1; plus strand). Cytogenetic location: 9q34.3.
Variant type: single nucleotide variant.
Coding change: c.2712C>T on transcript NM_024757.5 (MANE Select); coding-DNA position 2712, C replaced by T.
Protein change: p.Asn904=; no amino-acid change (asparagine 904 retained).
Molecular consequence: synonymous variant.
Genome position (GRCh38, 1-based): chr9:137,800,984, C>T. VCF-style: chr9-137800984-C-T. GRCh37 (hg19) VCF-style: chr9-140695436-C-T.
Other names: c.2691C>T, p.Asn897= (NM_001354263.2).
Identifiers: ClinVar variation 566849 (VCV000566849.16), dbSNP rs200102386, ClinGen allele CA5375024.